The following is an entry in ClinVar:

NM_024577.4(SH3TC2):c.601T>G (p.Cys201Gly)

Gene: SH3TC2 (SH3 domain and tetratricopeptide repeats 2; minus strand). Cytogenetic location: 5q32.
Variant type: single nucleotide variant.
Coding change: c.601T>G on transcript NM_024577.4 (MANE Select); coding-DNA position 601, T replaced by G.
Protein change: p.Cys201Gly; replaces cysteine 201 with glycine.
Molecular consequence: missense variant.
Genome position (GRCh38, 1-based): chr5:149,041,546, A>C on the plus strand (T>G on the coding strand, the complement: SH3TC2 is on the minus strand). VCF-style: chr5-149041546-A-C. GRCh37 (hg19) VCF-style: chr5-148421109-A-C.
Other names: short protein forms C201G.
Identifiers: ClinVar variation 2059641 (VCV002059641.1), dbSNP rs2531791667, ClinGen allele CA361674679.

ClinVar aggregate classification (germline): Uncertain significance (1 of 4 stars; one submission).

Conditions:
Charcot-Marie-Tooth disease type 4. Also called: Charcot-Marie-Tooth disease, type IV; Charcot-Marie-Tooth, Type 4. Identifiers: Orphanet 64749, MedGen C4082197, MONDO:0018995.

Submission:

Labcorp Genetics (formerly Invitae), Labcorp
Classification: Uncertain significance for Charcot-Marie-Tooth disease type 4. Last evaluated: 2021-12-25. Review status: criteria provided, single submitter. Criteria: Invitae Variant Classification Sherloc (09022015). Collection method: clinical testing. Allele origin: germline.
Comment: This sequence change replaces cysteine, which is neutral and slightly polar, with glycine, which is neutral and non-polar, at codon 201 of the SH3TC2 protein (p.Cys201Gly). This variant is not present in population databases (gnomAD no frequency). This variant has not been reported in the literature in individuals affected with SH3TC2-related conditions. Advanced modeling of protein sequence and biophysical properties (such as structural, functional, and spatial information, amino acid conservation, physicochemical variation, residue mobility, and thermodynamic stability) performed at Invitae indicates that this missense variant is not expected to disrupt SH3TC2 protein function. In summary, the available evidence is currently insufficient to determine the role of this variant in disease. Therefore, it has been classified as a Variant of Uncertain Significance.